The following is an entry in ClinVar:

NM_144997.7(FLCN):c.1641C>G (p.Val547=)

Gene: FLCN (folliculin; minus strand). Cytogenetic location: 17p11.2.
Variant type: single nucleotide variant.
Coding change: c.1641C>G on transcript NM_144997.7 (MANE Select); coding-DNA position 1641, C replaced by G.
Protein change: p.Val547=; no amino-acid change (valine 547 retained).
Molecular consequence: synonymous variant.
Genome position (GRCh38, 1-based): chr17:17,213,754, G>C on the plus strand (C>G on the coding strand, the complement: FLCN is on the minus strand). VCF-style: chr17-17213754-G-C. GRCh37 (hg19) VCF-style: chr17-17117068-G-C.
Other names: c.1695C>G, p.Val565= (NM_001353229.2); c.1641C>G, p.Val547= (NM_001353230.2, NM_001353231.2).
Identifiers: ClinVar variation 3773385 (VCV003773385.2).

ClinVar aggregate classification (germline): Benign/Likely benign. Review status: criteria provided, multiple submitters, no conflicts (2 of 4 stars). 2 submissions from 2 submitters: Benign (1); Likely benign (1). Last evaluated 2026-09-02.

Conditions:
Hereditary cancer-predisposing syndrome. Also called: Tumor predisposition; Hereditary neoplastic syndrome; Hereditary Cancer Syndrome; Neoplastic Syndromes, Hereditary. Identifiers: Orphanet 140162, MedGen C0027672, MeSH D009386, MONDO:0015356.
Birt-Hogg-Dube syndrome 1 (BHD1). Also called: FIBROFOLLICULOMAS WITH TRICHODISCOMAS AND ACROCHORDONS. Identifiers: Orphanet 122, MedGen CN375946, MONDO:0800445, OMIM 135150.

Submissions (2):

Ambry Genetics
Classification: Likely benign for Hereditary cancer-predisposing syndrome. Last evaluated: 2026-09-02. Review status: criteria provided, single submitter. Criteria: Ambry Variant Classification Scheme 2023. Collection method: clinical testing. Allele origin: germline.

Myriad Genetics, Inc.
Classification: Benign for Birt-Hogg-Dube syndrome 1. Last evaluated: 2024-10-28. Review status: criteria provided, single submitter. Criteria: Myriad Autosomal Dominant, Autosomal Recessive and X-Linked Classification Criteria (2023). Collection method: clinical testing. Allele origin: unknown.
Comment: This variant is considered benign. This variant is a silent/synonymous amino acid change and it is not expected to impact splicing.